The following is an entry in ClinVar:

ClinVar aggregate classification (germline): Pathogenic/Likely pathogenic. Review status: criteria provided, multiple submitters, no conflicts (2 of 4 stars). 3 submissions from 3 submitters: Pathogenic (1); Likely pathogenic (2). Last evaluated 2024-06-27.

Conditions:
PROM1-related disorder. Also called: PROM1-related condition; PROM1-related disorders.

Submissions (3):

3billion
Classification: Pathogenic for PROM1-related disorder. Last evaluated: 2024-06-27. Review status: criteria provided, single submitter. Criteria: ACMG Guidelines, 2015. Collection method: clinical testing. Allele origin: germline. Affected: yes.
Comment: The variant is not observed in the gnomAD v4.0.0 dataset. Predicted Consequence/Location: Canonical splice site: predicted to alter splicing and result in a loss or disruption of normal protein function. Multiple pathogenic loss-of-function variants are reported downstream of the variant. The variant has been reported at least twice as pathogenic without evidence for the classification (ClinVar ID: VCV000866816). Therefore, this variant is classified as Pathogenic according to the recommendation of ACMG/AMP guideline.

Labcorp Genetics (formerly Invitae), Labcorp
Classification: Likely pathogenic. Last evaluated: 2023-12-04. Review status: criteria provided, single submitter. Criteria: Invitae Variant Classification Sherloc (09022015). Collection method: clinical testing. Allele origin: germline.
Comment: This sequence change affects an acceptor splice site in intron 19 of the PROM1 gene. It is expected to disrupt RNA splicing. Variants that disrupt the donor or acceptor splice site typically lead to a loss of protein function (PMID: 16199547), and loss-of-function variants in PROM1 are known to be pathogenic (PMID: 17605048, 19718270, 24154662, 25474345). This variant is not present in population databases (gnomAD no frequency). This variant has not been reported in the literature in individuals affected with PROM1-related conditions. ClinVar contains an entry for this variant (Variation ID: 866816). Algorithms developed to predict the effect of sequence changes on RNA splicing suggest that this variant may disrupt the consensus splice site. In summary, the currently available evidence indicates that the variant is pathogenic, but additional data are needed to prove that conclusively. Therefore, this variant has been classified as Likely Pathogenic.

Blueprint Genetics
Classification: Likely pathogenic for PROM1-related disorders. Last evaluated: 2018-08-24. Review status: criteria provided, single submitter. Criteria: ACMG Guidelines, 2015. Collection method: clinical testing. Allele origin: germline. Affected: yes. Observed: 1 variant allele.

Literature cited by the submitters: PubMed 16199547 (cited by Labcorp Genetics (formerly Invitae), Labcorp); PubMed 17605048 (cited by Labcorp Genetics (formerly Invitae), Labcorp); PubMed 19718270 (cited by Labcorp Genetics (formerly Invitae), Labcorp); PubMed 24154662 (cited by Labcorp Genetics (formerly Invitae), Labcorp); PubMed 25474345 (cited by Labcorp Genetics (formerly Invitae), Labcorp).

NM_006017.3(PROM1):c.2131-1G>A

Gene: PROM1 (prominin 1; minus strand). Cytogenetic location: 4p15.32.
Variant type: single nucleotide variant.
Coding change: c.2131-1G>A on transcript NM_006017.3 (MANE Select); the canonical splice acceptor site of the intron before coding-DNA position 2131, G replaced by A.
Molecular consequence: splice acceptor variant.
Genome position (GRCh38, 1-based): chr4:15,986,038, C>T on the plus strand (G>A on the coding strand, the complement: PROM1 is on the minus strand). VCF-style: chr4-15986038-C-T. GRCh37 (hg19) VCF-style: chr4-15987661-C-T.
Other names: c.2104-1G>A (NM_001145848.2, NM_001145852.2, NM_001145847.2 and 4 more transcripts); c.2131-1G>A (NM_001145850.2, NM_001145849.2).
Identifiers: ClinVar variation 866816 (VCV000866816.6), dbSNP rs1577845276, ClinGen allele CA356428536.
Genomic context (GRCh38, chr4:15,986,038, plus strand): 5'-ATTGTTTGTGATGAAGTTCTGAGCAAAATCCAGAGAAGCTAGAATCCTAGTTACTCTCTC[C>T]TGAAAGACACAGCCACAGTTATCAGGGTATCAAGTCATAGAAAGTTTTAATTAGACAATT-3'